The following is an entry in ClinVar:

ClinVar aggregate classification (germline): Likely benign. Review status: criteria provided, multiple submitters, no conflicts (2 of 4 stars). 3 submissions from 3 submitters: Likely benign (2). 1 of the submissions does not count toward it. Last evaluated 2025-11-10.

Conditions:
ADNP-related disorder. Also called: ADNP-related condition.

Allele frequency attached by ClinVar (database versions not stated): TOPMed 0.00008; gnomAD exomes 0.00009 and 0.00004; 1000 Genomes Project 30x 0.00016; 1000 Genomes Project 0.00020; ExAC 0.00005; gnomAD 0.00007; ESP Exome Variant Server 0.00008.
gnomAD v4.1: 139 of 1,614,088 alleles (0.0086%); highest among the groups gnomAD compares: Non-Finnish European, 0.01%; no homozygotes.

Submissions (3):

Labcorp Genetics (formerly Invitae), Labcorp
Classification: Likely benign. Last evaluated: 2025-11-10. Review status: criteria provided, single submitter. Criteria: Invitae Variant Classification Sherloc (09022015). Collection method: clinical testing. Allele origin: germline.

CeGaT Center for Human Genetics Tuebingen
Classification: Likely benign. Last evaluated: 2024-07-01. Review status: criteria provided, single submitter. Criteria: CeGaT Center For Human Genetics Tuebingen Variant Classification Criteria Version 2. Collection method: clinical testing. Allele origin: germline. Affected: yes. Observed: 1 variant allele.
Comment: ADNP: BP4, BP7

PreventionGenetics, part of Exact Sciences
Classification: Likely benign for ADNP-related condition. Last evaluated: 2024-07-18. Review status: no assertion criteria provided. Collection method: clinical testing. Allele origin: germline. Not counted in ClinVar's aggregate classification.
Comment: This variant is classified as likely benign based on ACMG/AMP sequence variant interpretation guidelines (Richards et al. 2015 PMID: 25741868, with internal and published modifications).

NM_001282531.3(ADNP):c.2406C>A (p.Ser802=)

Gene: ADNP (activity dependent neuroprotector homeobox; minus strand). Cytogenetic location: 20q13.13.
Variant type: single nucleotide variant.
Coding change: c.2406C>A on transcript NM_001282531.3 (MANE Select); coding-DNA position 2406, C replaced by A.
Protein change: p.Ser802=; no amino-acid change (serine 802 retained).
Molecular consequence: synonymous variant.
Genome position (GRCh38, 1-based): chr20:50,892,308, G>T on the plus strand (C>A on the coding strand, the complement: ADNP is on the minus strand). VCF-style: chr20-50892308-G-T. GRCh37 (hg19) VCF-style: chr20-49508845-G-T.
Other names: c.2406C>A (NM_001282531.2); c.2406C>A, p.Ser802= (NM_001282532.2, NM_001347511.2, NM_015339.5 and 1 more transcripts).
Identifiers: ClinVar variation 713746 (VCV000713746.26), dbSNP rs146508276, ClinGen allele CA9908590.